The following is an entry in ClinVar:

ClinVar aggregate classification (germline): Uncertain significance (1 of 4 stars; one submission).

Conditions:
TRIO-related disorder. Also called: TRIO-related condition; TRIO-related disorders.

Allele frequency attached by ClinVar (database versions not stated): ExAC 0.00001; gnomAD 0.00001; gnomAD exomes 0.00002; TOPMed 0.00002.

Submission:

PreventionGenetics, part of Exact Sciences
Classification: Uncertain significance for TRIO-related condition. Last evaluated: 2023-05-16. Review status: criteria provided, single submitter. Criteria: ACMG Guidelines, 2015. Collection method: clinical testing. Allele origin: germline.
Comment: The TRIO c.2809G>A variant is predicted to result in the amino acid substitution p.Ala937Thr. To our knowledge, this variant has not been reported in the literature. This variant is reported in 0.0062% of alleles in individuals of African descent in gnomAD. At this time, the clinical significance of this variant is uncertain due to the absence of conclusive functional and genetic evidence.

NM_007118.4(TRIO):c.2809G>A (p.Ala937Thr)

Gene: TRIO (trio Rho guanine nucleotide exchange factor; plus strand). Cytogenetic location: 5p15.2.
Variant type: single nucleotide variant.
Coding change: c.2809G>A on transcript NM_007118.4 (MANE Select); coding-DNA position 2809, G replaced by A.
Protein change: p.Ala937Thr; replaces alanine 937 with threonine.
Molecular consequence: missense variant. On other transcripts: non-coding transcript variant (1).
Genome position (GRCh38, 1-based): chr5:14,366,914, G>A. VCF-style: chr5-14366914-G-A. GRCh37 (hg19) VCF-style: chr5-14367023-G-A.
Other names: short protein forms A937T.
Identifiers: ClinVar variation 2632964 (VCV002632964.1), dbSNP rs751285174, ClinGen allele CA3206010.
Genomic context (GRCh38, chr5:14,366,914, plus strand): 5'-TTTCAGGTGCTGGGTTGGATCCGCAACGGAGAGTCCATGTTAAATGCCGGACTTATCACA[G>A]CCAGCTCGTTACAAGAGGCAGAGCAGCTCCAGCGAGAGCACGAGCAGTTCCAGCATGCCA-3'
Protein context (NP_009049.2, residues 927-947): ESMLNAGLIT[Ala937Thr]SSLQEAEQLQ